The following is an entry in ClinVar:

ClinVar aggregate classification (germline): Benign (0 of 4 stars; one submission).

Conditions:
HAVCR1-related disorder. Also called: HAVCR1-related condition.

Allele frequency attached by ClinVar (database versions not stated): ExAC 0.01974; 1000 Genomes Project 0.05132; ESP Exome Variant Server 0.05156; 1000 Genomes Project 30x 0.05434; TOPMed 0.05453.

Submissions (10):

PreventionGenetics, part of Exact Sciences
Classification: Benign for HAVCR1-related condition. Last evaluated: 2019-10-28. Review status: no assertion criteria provided. Collection method: clinical testing. Allele origin: germline.
Comment: This variant is classified as benign based on ACMG/AMP sequence variant interpretation guidelines (Richards et al. 2015 PMID: 25741868, with internal and published modifications).

Dr. Peter K. Rogan Lab, Western University
No classification provided (evidence only). Condition: Lung cancer. Review status: no classification provided. Collection method: in vitro. Allele origin: not applicable. Functional consequence: retained intron. Not counted in ClinVar's aggregate classification.

Dr. Peter K. Rogan Lab, Western University
No classification provided (evidence only). Condition: Cervical cancer. Review status: no classification provided. Collection method: in vitro. Allele origin: not applicable. Functional consequence: retained intron. Not counted in ClinVar's aggregate classification.

Dr. Peter K. Rogan Lab, Western University
No classification provided (evidence only). Condition: Cervical cancer. Review status: no classification provided. Collection method: in vitro. Allele origin: not applicable. Functional consequence: retained intron. Not counted in ClinVar's aggregate classification.

Dr. Peter K. Rogan Lab, Western University
No classification provided (evidence only). Condition: Cholangiocarcinoma. Review status: no classification provided. Collection method: in vitro. Allele origin: not applicable. Functional consequence: retained intron. Not counted in ClinVar's aggregate classification.

Dr. Peter K. Rogan Lab, Western University
No classification provided (evidence only). Condition: Ovarian serous cystadenocarcinoma. Review status: no classification provided. Collection method: in vitro. Allele origin: not applicable. Functional consequence: retained intron. Not counted in ClinVar's aggregate classification.

Dr. Peter K. Rogan Lab, Western University
No classification provided (evidence only). Condition: Gastric cancer. Review status: no classification provided. Collection method: in vitro. Allele origin: not applicable. Functional consequence: retained intron. Not counted in ClinVar's aggregate classification.

Dr. Peter K. Rogan Lab, Western University
No classification provided (evidence only). Condition: Malignant tumor of esophagus. Review status: no classification provided. Collection method: in vitro. Allele origin: not applicable. Functional consequence: retained intron. Not counted in ClinVar's aggregate classification.

Dr. Peter K. Rogan Lab, Western University
No classification provided (evidence only). Condition: Malignant tumor of esophagus. Review status: no classification provided. Collection method: in vitro. Allele origin: not applicable. Functional consequence: retained intron. Not counted in ClinVar's aggregate classification.

Dr. Peter K. Rogan Lab, Western University
No classification provided (evidence only). Condition: Familial pancreatic carcinoma. Review status: no classification provided. Collection method: in vitro. Allele origin: not applicable. Functional consequence: retained intron. Not counted in ClinVar's aggregate classification.

NM_001173393.3(HAVCR1):c.987-10C>A

Gene: HAVCR1 (hepatitis A virus cellular receptor 1; minus strand). Cytogenetic location: 5q33.3.
Variant type: single nucleotide variant.
Coding change: c.987-10C>A on transcript NM_001173393.3 (MANE Select); 10 bases into the intron before coding-DNA position 987, C replaced by A.
Molecular consequence: intron variant.
Genome position (GRCh38, 1-based): chr5:157,029,851, G>T on the plus strand (C>A on the coding strand, the complement: HAVCR1 is on the minus strand). VCF-style: chr5-157029851-G-T. GRCh37 (hg19) VCF-style: chr5-156456862-G-T.
Other names: NC_000005.9:g.156456862G>T; c.953-10C>A (NM_001308156.2); c.987-10C>A (NM_012206.3).
Identifiers: ClinVar variation 3061024 (VCV003061024.3), dbSNP rs7716614, ClinGen allele CA3531365.